The following is an entry in ClinVar:

ClinVar aggregate classification (germline): Pathogenic. Review status: reviewed by expert panel (3 of 4 stars). 6 submissions from 6 submitters: Pathogenic (1). 5 of the submissions do not count toward it. Last evaluated 2024-07-23.

Conditions:
RPE65-related recessive retinopathy. Also called: Recessive RPE65 retinopathy. Identifiers: MedGen CN305526, MONDO:0100368.
Leber congenital amaurosis (LCA). Also called: Leber's amaurosis. Identifiers: Orphanet 65, MedGen C0339527, MeSH D057130, MONDO:0018998.
Leber congenital amaurosis 2 (LCA2). Also called: Autosomal Recessive RPE65-Related Retinal Degeneration; AMAUROSIS CONGENITA OF LEBER II. Identifiers: Orphanet 65, MedGen C1859844, MONDO:0008765, OMIM 204100. Disease mechanism: loss of function.

Submissions (6):

ClinGen Leber Congenital Amaurosis/early Onset Retinal Dystrophy Variant Curation Expert Panel, ClinGen
Classification: Pathogenic for RPE65-related recessive retinopathy. Last evaluated: 2024-07-23. Review status: reviewed by expert panel. Criteria: ClinGen LCAeoRD ACMG Specifications RPE65 V1.0.0. Collection method: curation. Allele origin: germline. Inheritance: Autosomal recessive inheritance.
Comment: NM_000329.3(RPE65):c.138del (p.Pro47GlnfsTer47) is a frameshift variant that introduces a premature stop codon into exon 3 of 14, and is predicted to lead to nonsense-mediated decay in a gene in which loss-of-function is an established mechanism of disease (PVS1). This variant is absent from gnomAD v2.1.1 (PM2_Supporting). This variant has been reported in at least 2 unrelated probands with early-onset severe retinal dystrophy who were homozygous for the variant (1 point, PMID: 36017377, PM3). In summary, this variant meets the criteria to be classified as pathogenic for RPE65-related recessive retinopathy based on the ACMG/AMP criteria applied, as specified by the ClinGen LCA / eoRD VCEP: PVS1, PM2_supporting, and PM3. (VCEP specifications version 1.0.0; date of approval 09/21/2023)

Natera, Inc.
Classification: Pathogenic for Leber congenital amaurosis. Last evaluated: 2025-06-12. Review status: criteria provided, single submitter. Criteria: Natera Variant Classification Schema (03/2026). Collection method: clinical testing. Allele origin: germline. Not counted in ClinVar's aggregate classification.
Comment: The c.138delG variant in RPE65 is a frameshift variant predicted to shift the reading frame beginning at codon 47 and leads to a stop codon 47 codons downstream. This variant is expected to result in nonsense mediated decay, truncation, or a dysfunctional protein product. This variant is rare in the general population with a frequency below the threshold expected for the associated phenotype(s). This variant has been observed in one or more individuals affected with the associated recessive disease, as either homozygous or compound heterozygous with a second variant (PMID: 16205573). Given the available evidence, this variant is classified as Pathogenic.

Myriad Genetics, Inc.
Classification: Pathogenic for RPE65-related recessive retinopathy. Last evaluated: 2024-05-14. Review status: criteria provided, single submitter. Criteria: Myriad Autosomal Dominant, Autosomal Recessive and X-Linked Classification Criteria (2023). Collection method: clinical testing. Allele origin: unknown. Not counted in ClinVar's aggregate classification.
Comment: NM_000329.2(RPE65):c.138delG(P47Qfs*47) is expected to be pathogenic in the context of inherited retinal dystrophy, RPE65-related. This variant is predicted to lead to an abnormal or absent protein product due to the creation of a premature termination codon in RPE65, a gene where loss-of-function variants are known to be pathogenic. Please note: this variant was assessed in the context of healthy population screening.

Baylor Genetics
Classification: Pathogenic for Leber congenital amaurosis 2. Last evaluated: 2024-03-30. Review status: criteria provided, single submitter. Criteria: ACMG Guidelines, 2015. Collection method: clinical testing. Allele origin: unknown. Not counted in ClinVar's aggregate classification.

Laboratory of Genetics in Ophthalmology, Institut Imagine
Classification: Pathogenic for Leber congenital amaurosis 2. Review status: no assertion criteria provided. Collection method: research. Allele origin: inherited. Affected: yes. Observed: 1 variant allele. Not counted in ClinVar's aggregate classification.

Retina International
No classification provided. Review status: no classification provided. Collection method: not provided. Allele origin: not provided. Not counted in ClinVar's aggregate classification.

Literature cited by the submitters: PubMed 16205573 (cited by Natera, Inc.); PubMed 10766140 (cited by Laboratory of Genetics in Ophthalmology, Institut Imagine).

NM_000329.3(RPE65):c.138del (p.Pro47fs)

Gene: RPE65 (retinoid isomerohydrolase RPE65; minus strand). Cytogenetic location: 1p31.3.
Variant type: Deletion.
Coding change: c.138del on transcript NM_000329.3 (MANE Select); coding-DNA position 138, one base deleted (G; older notation c.138delG).
Protein change: p.Pro47fs; shifts the reading frame from proline 47.
Molecular consequence: frameshift variant.
Genome position (GRCh38, 1-based): chr1:68,446,817, C deleted on the plus strand (G on the coding strand, the reverse complement: RPE65 is on the minus strand); the first of 3 consecutive C bases (chr1:68,446,817-68,446,819); deleting any one gives the same sequence. VCF-style (leftmost placement, unchanged base first): chr1-68446816-GC-G. GRCh37 (hg19) VCF-style: chr1-68912499-GC-G.
Other names: NM_000329.3(RPE65):c.138del; p.Pro47fs; c.138del (NM_000329.2); c.138delG (NM_000329.2); short protein forms P47fs.
Identifiers: ClinVar variation 98843 (VCV000098843.6), dbSNP rs61752865, ClinGen allele CA226510.